The following is an entry in ClinVar:

NC_000018.9:g.(?_56936236)_(57147490_?)dup

Genes: CCBE1 (collagen and calcium binding EGF domains 1; minus strand), CPLX4 (complexin 4; minus strand), LMAN1 (lectin, mannose binding 1; minus strand), RAX (retina and anterior neural fold homeobox; minus strand). Cytogenetic location: 18q21.32.
Variant type: Duplication.
Identifiers: ClinVar variation 3242812 (VCV003242812.1).

ClinVar aggregate classification (germline): Uncertain significance (1 of 4 stars; one submission).

Submission:

Labcorp Genetics (formerly Invitae), Labcorp
Classification: Uncertain significance. Last evaluated: 2024-01-25. Review status: criteria provided, single submitter. Criteria: Invitae Variant Classification Sherloc (09022015). Collection method: clinical testing. Allele origin: unknown.
Comment: This variant results in a copy number gain of the genomic region encompassing exon(s) 3-11 of the CCBE1 gene. This region includes the termination codon of the gene. This copy number gain extends beyond the assayed region for this gene and therefore may encompass additional genes. As the precise location of this event is unknown, it may be in tandem or it may be located elsewhere in the genome. This variant has not been reported in the literature in individuals affected with CCBE1-related conditions. Experimental studies and prediction algorithms are not available or were not evaluated, and the functional significance of this variant is currently unknown. In summary, the available evidence is currently insufficient to determine the role of this variant in disease. Therefore, it has been classified as a Variant of Uncertain Significance.